The following is an entry in ClinVar:

NM_014989.7(RIMS1):c.1315C>G (p.Pro439Ala)

Gene: RIMS1 (regulating synaptic membrane exocytosis 1; plus strand). Cytogenetic location: 6q13.
Variant type: single nucleotide variant.
Coding change: c.1315C>G on transcript NM_014989.7 (MANE Select); coding-DNA position 1315, C replaced by G.
Protein change: p.Pro439Ala; replaces proline 439 with alanine.
Molecular consequence: missense variant.
Genome position (GRCh38, 1-based): chr6:72,182,786, C>G. VCF-style: chr6-72182786-C-G. GRCh37 (hg19) VCF-style: chr6-72892489-C-G.
Other names: short protein forms P439A.
Identifiers: ClinVar variation 954684 (VCV000954684.9), dbSNP rs1311976270, ClinGen allele CA364820846.

ClinVar aggregate classification (germline): Uncertain significance (1 of 4 stars; one submission).

Allele frequency attached by ClinVar (database versions not stated): gnomAD 0.00001.
gnomAD v4.1: 1 of 1,545,920 alleles (0.000065%); highest among the groups gnomAD compares: African/African-American, 0.0014%; no homozygotes.

Submission:

Labcorp Genetics (formerly Invitae), Labcorp
Classification: Uncertain significance. Last evaluated: 2019-11-05. Review status: criteria provided, single submitter. Criteria: Invitae Variant Classification Sherloc (09022015). Collection method: clinical testing. Allele origin: germline.
Comment: In summary, the available evidence is currently insufficient to determine the role of this variant in disease. Therefore, it has been classified as a Variant of Uncertain Significance. Algorithms developed to predict the effect of missense changes on protein structure and function (SIFT, PolyPhen-2, Align-GVGD) all suggest that this variant is likely to be tolerated, but these predictions have not been confirmed by published functional studies and their clinical significance is uncertain. The frequency data for this variant in the population databases is considered unreliable, as metrics indicate insufficient coverage at this position in the ExAC database. This sequence change replaces proline with alanine at codon 439 of the RIMS1 protein (p.Pro439Ala). The proline residue is moderately conserved and there is a small physicochemical difference between proline and alanine. This variant has not been reported in the literature in individuals with RIMS1-related conditions.